The following is an entry in ClinVar:

ClinVar aggregate classification (germline): Conflicting classifications of pathogenicity. Review status: criteria provided, conflicting classifications (1 of 4 stars). 2 submissions from 2 submitters: Uncertain significance (1); Likely benign (1). Last evaluated 2023-06-26.

Conditions:
Marfan syndrome (MFS). Also called: Marfan syndrome, classic; MARFAN SYNDROME, TYPE I; Marfan syndrome type 1; Marfan's syndrome; FBN1-Related Marfan Syndrome. Identifiers: Orphanet 284963, Orphanet 558, MedGen C0024796, MONDO:0007947, OMIM 154700.
Familial thoracic aortic aneurysm and aortic dissection (TAAD). Also called: Thoracic aortic aneurysms and dissections. Identifiers: Orphanet 91387, MedGen C4707243, MONDO:0019625.

gnomAD v4.1: 4 of 1,556,668 alleles (0.00026%); highest among the groups gnomAD compares: Non-Finnish European, 0.00035%; no homozygotes.

Submissions (2):

All of Us Research Program, National Institutes of Health
Classification: Uncertain significance for Marfan syndrome. Last evaluated: 2023-06-26. Review status: criteria provided, single submitter. Criteria: ACMG Guidelines, 2015. Collection method: clinical testing. Allele origin: germline. Inheritance: Autosomal dominant inheritance. Observed: 2 variant alleles, 2 heterozygotes.
Comment: This variant causes a C to A nucleotide substitution at the -8 position of intron 23 of the FBN1 gene. To our knowledge, functional studies have not been reported for this variant. This variant has not been reported in individuals affected with FBN1-related disorders in the literature. This variant has not been identified in the general population by the Genome Aggregation Database (gnomAD). The available evidence is insufficient to determine the role of this variant in disease conclusively. Therefore, this variant is classified as a Variant of Uncertain Significance.

This study involves interpretation of variants in research participants for the purpose of population health screening. Participant phenotype was not available at the time of variant classification. Additional details can be found in publication PMID: 35346344, PMCID: PMC8962531

Labcorp Genetics (formerly Invitae), Labcorp
Classification: Likely benign for Marfan syndrome; Familial thoracic aortic aneurysm and aortic dissection. Last evaluated: 2020-12-28. Review status: criteria provided, single submitter. Criteria: Invitae Variant Classification Sherloc (09022015). Collection method: clinical testing. Allele origin: germline.

NM_000138.5(FBN1):c.2729-8C>A

Gene: FBN1 (fibrillin 1; minus strand). Cytogenetic location: 15q21.1.
Variant type: single nucleotide variant.
Coding change: c.2729-8C>A on transcript NM_000138.5 (MANE Select); 8 bases into the intron before coding-DNA position 2729, C replaced by A.
Molecular consequence: intron variant.
Genome position (GRCh38, 1-based): chr15:48,492,594, G>T on the plus strand (C>A on the coding strand, the complement: FBN1 is on the minus strand). VCF-style: chr15-48492594-G-T. GRCh37 (hg19) VCF-style: chr15-48784791-G-T.
Identifiers: ClinVar variation 1565578 (VCV001565578.4), dbSNP rs775257418, ClinGen allele CA2175524407.